The following is an entry in ClinVar:

NM_152281.3(GORAB):c.1091C>G (p.Ser364Ter)

Gene: GORAB (golgin, RAB6 interacting; plus strand). Cytogenetic location: 1q24.2.
Variant type: single nucleotide variant.
Coding change: c.1091C>G on transcript NM_152281.3 (MANE Select); coding-DNA position 1091, C replaced by G.
Protein change: p.Ser364Ter; replaces serine 364 with a stop codon.
Molecular consequence: nonsense. On other transcripts: non-coding transcript variant (1).
Genome position (GRCh38, 1-based): chr1:170,552,443, C>G. VCF-style: chr1-170552443-C-G. GRCh37 (hg19) VCF-style: chr1-170521584-C-G.
Other names: c.626C>G, p.Ser209Ter (NM_001320252.2); short protein forms S389*, S209*, S364*.
Identifiers: ClinVar variation 92030 (VCV000092030.2), dbSNP rs386352310, ClinGen allele CA232385.

ClinVar aggregate classification (germline): Uncertain significance (0 of 4 stars; one submission).

Submission:

Richard Lifton Laboratory, Yale University School of Medicine
Classification: Uncertain significance. Review status: no assertion criteria provided. Collection method: not provided. Allele origin: somatic.
Comment: GORAB
ClinVar note: Converted during submission from unknown to Uncertain significance.